The following is an entry in ClinVar:

ClinVar aggregate classification (germline): Pathogenic. Review status: criteria provided, multiple submitters, no conflicts (2 of 4 stars). 7 submissions from 7 submitters: Pathogenic (4). 3 of the submissions do not count toward it. Last evaluated 2025-08-25.

Conditions:
Berardinelli-Seip congenital lipodystrophy. Identifiers: Orphanet 528, MedGen CN262437, MONDO:0018883.
Charcot-Marie-Tooth disease type 2. Also called: Charcot-Marie-Tooth type 2. Identifiers: Orphanet 64746, MedGen C0270914, MONDO:0018993.
Congenital generalized lipodystrophy type 2 (CGL2). Also called: BERARDINELLI SYNDROME; BRUNZELL SYNDROME, BSCL2-RELATED; SEIP SYNDROME; Berardinelli-Seip Congenital Lipodystrophy Type 2. Identifiers: Orphanet 528, Orphanet 696289, MedGen C1720863, MONDO:0010020, OMIM 269700.
Severe neurodegenerative syndrome with lipodystrophy. Also called: ENCEPHALOPATHY, PROGRESSIVE, WITH LIPODYSTROPHY; Encephalopathy, progressive, with or without lipodystrophy. Identifiers: Orphanet 363400, MedGen C4014700, MONDO:0014402, OMIM 615924.
Hereditary spastic paraplegia 17. Also called: Silver spastic paraplegia syndrome; Spastic Paraplegia 17; Autosomal dominant spastic paraplegia type 17; Silver Syndrome; SPASTIC PARAPLEGIA WITH AMYOTROPHY OF HANDS AND FEET. Identifiers: Orphanet 100998, MedGen C2931276, MONDO:0010043, OMIM 270685.
Neuronopathy, distal hereditary motor, type 5C. Also called: NEURONOPATHY, DISTAL HEREDITARY MOTOR, AUTOSOMAL DOMINANT 13; NEURONOPATHY, DISTAL HEREDITARY MOTOR, HARDING TYPE VC; NEUROPATHY, DISTAL HEREDITARY MOTOR, HARDING TYPE VC; SPINAL MUSCULAR ATROPHY, DISTAL, HARDING TYPE VC; DHMN VC. Identifiers: MedGen C5436838, MONDO:0030860, OMIM 619112.

Allele frequency attached by ClinVar (database versions not stated): gnomAD 0.00001; gnomAD exomes below 0.00001; TOPMed 0.00001.

Submissions (7):

Dasa
Classification: Pathogenic. Last evaluated: 2025-08-25. Review status: criteria provided, single submitter. Criteria: DASA Assertion Criteria. Collection method: clinical testing. Allele origin: germline.
Comment: NM_001122955.4(BSCL2):c.517dup (p.Thr173Asnfs*5) introduces a premature termination codon predicted to result in loss of normal protein function. Loss-of-function is an established mechanism of disease for this gene. This variant has been recurrently observed in individuals with related phenotype (PMID: 11479539; PMID: 17535271). The variant is present at low frequency in population datasets. Based on the available data, this variant is classified as pathogenic.

Labcorp Genetics (formerly Invitae), Labcorp
Classification: Pathogenic for Charcot-Marie-Tooth disease type 2. Last evaluated: 2023-06-20. Review status: criteria provided, single submitter. Criteria: Invitae Variant Classification Sherloc (09022015). Collection method: clinical testing. Allele origin: germline.
Comment: This variant is also known as c.669insA . For these reasons, this variant has been classified as Pathogenic. ClinVar contains an entry for this variant (Variation ID: 4536). This premature translational stop signal has been observed in individuals with autosomal recessive Berardinelli-Seip congenital lipodystrophy (PMID: 11479539, 17535271). This variant is present in population databases (rs786205071, gnomAD no frequency). This sequence change creates a premature translational stop signal (p.Thr109Asnfs*5) in the BSCL2 gene. It is expected to result in an absent or disrupted protein product. Loss-of-function variants in BSCL2 are known to be pathogenic (PMID: 11479539, 23564749).

Fulgent Genetics
Classification: Pathogenic for Congenital generalized lipodystrophy type 2; Hereditary spastic paraplegia 17; Severe neurodegenerative syndrome with lipodystrophy; Neuronopathy, distal hereditary motor, type 5C. Last evaluated: 2021-10-05. Review status: criteria provided, single submitter. Criteria: ACMG Guidelines, 2015. Collection method: clinical testing. Allele origin: unknown.

Mendelics
Classification: Pathogenic for Congenital generalized lipodystrophy type 2. Last evaluated: 2019-05-28. Review status: criteria provided, single submitter. Criteria: Mendelics Assertion Criteria 2017. Collection method: clinical testing. Allele origin: unknown.

Inherited Neuropathy Consortium Ii, University Of Miami
Classification: Uncertain significance for Berardinelli-Seip congenital lipodystrophy. Last evaluated: 2016-01-06. Review status: no assertion criteria provided. Collection method: literature only. Allele origin: germline. Affected: yes. Not counted in ClinVar's aggregate classification.

OMIM
Classification: Pathogenic for LIPODYSTROPHY, CONGENITAL GENERALIZED, TYPE 2. Last evaluated: 2004-06-01. Review status: no assertion criteria provided. Collection method: literature only. Allele origin: germline. Not counted in ClinVar's aggregate classification.

GeneReviews
No classification provided. Condition: Congenital generalized lipodystrophy type 2. Review status: no classification provided. Collection method: literature only. Allele origin: germline. Affected: yes. Not counted in ClinVar's aggregate classification.

Literature cited by the submitters: PubMed 11479539 (cited by 4 submitters); PubMed 17535271 (cited by Dasa and Labcorp Genetics (formerly Invitae), Labcorp); PubMed 23564749 (cited by Labcorp Genetics (formerly Invitae), Labcorp); PubMed 12030893 (cited by OMIM); PubMed 15181077 (cited by OMIM); NCBI Bookshelf NBK1212 (cited by GeneReviews).

NM_001122955.4(BSCL2):c.517dup (p.Thr173fs)

Genes: BSCL2 (BSCL2 lipid droplet biogenesis associated, seipin; minus strand), HNRNPUL2-BSCL2 (HNRNPUL2-BSCL2 readthrough (NMD candidate); minus strand). Cytogenetic location: 11q12.3.
Variant type: Duplication.
Coding change: c.517dup on transcript NM_001122955.4 (MANE Select); coding-DNA position 517, one base duplicated (A; older notation c.517dupA).
Protein change: p.Thr173fs; shifts the reading frame from threonine 173.
Molecular consequence: frameshift variant. On other transcripts: non-coding transcript variant (1).
Genome position (GRCh38, 1-based): chr11:62,694,681, T duplicated on the plus strand (A on the coding strand, the reverse complement: BSCL2 is on the minus strand). VCF-style (leftmost placement, unchanged base first): chr11-62694680-G-GT. GRCh37 (hg19) VCF-style: chr11-62462152-G-GT.
Other names: c.325dup, p.Thr109fs (NM_001130702.2, NM_032667.6); c.517dup, p.Thr173fs (NM_001386027.1, NM_001386028.1); c.325dupA (NM_032667.6); short protein forms T109fs, T173fs.
Identifiers: ClinVar variation 4536 (VCV000004536.14), dbSNP rs786205071, ClinGen allele CA277921.